The following is an entry in ClinVar:

NM_001849.4(COL6A2):c.218T>G (p.Phe73Cys)

Gene: COL6A2 (collagen type VI alpha 2 chain; plus strand). Cytogenetic location: 21q22.3.
Variant type: single nucleotide variant.
Coding change: c.218T>G on transcript NM_001849.4 (MANE Select); coding-DNA position 218, T replaced by G.
Protein change: p.Phe73Cys; replaces phenylalanine 73 with cysteine.
Molecular consequence: missense variant.
Genome position (GRCh38, 1-based): chr21:46,112,081, T>G. VCF-style: chr21-46112081-T-G. GRCh37 (hg19) VCF-style: chr21-47531995-T-G.
Other names: c.218T>G, p.Phe73Cys (NM_058174.3, NM_058175.3); short protein forms F73C.
Identifiers: ClinVar variation 4851695 (VCV004851695.1).

ClinVar aggregate classification (germline): Uncertain significance (1 of 4 stars; one submission).

Submission:

Greenwood Genetic Center Diagnostic Laboratories, Greenwood Genetic Center
Classification: Uncertain significance. Last evaluated: 2025-02-20. Review status: criteria provided, single submitter. Criteria: ACMG Guidelines, 2015. Collection method: clinical testing. Allele origin: germline.
Comment: PM2, PP3